The following is an entry in ClinVar:

NM_002693.3(POLG):c.1613A>C (p.Glu538Ala)

Gene: POLG (DNA polymerase gamma, catalytic subunit; minus strand). Cytogenetic location: 15q26.1.
Variant type: single nucleotide variant.
Coding change: c.1613A>C on transcript NM_002693.3 (MANE Select); coding-DNA position 1613, A replaced by C.
Protein change: p.Glu538Ala; replaces glutamic acid 538 with alanine.
Molecular consequence: missense variant.
Genome position (GRCh38, 1-based): chr15:89,326,711, T>G on the plus strand (A>C on the coding strand, the complement: POLG is on the minus strand). VCF-style: chr15-89326711-T-G. GRCh37 (hg19) VCF-style: chr15-89869942-T-G.
Other names: p.Glu538Ala; c.1613A>C, p.Glu538Ala (NM_001126131.2); short protein forms E538A.
Identifiers: ClinVar variation 432020 (VCV000432020.26), dbSNP rs767216577, ClinGen allele CA7724748.
Genomic context (GRCh38, chr15:89,326,711, plus strand): 5'-AGCTCTGTGGTCCCCTTCAGCTTCTGCAAGCAGGCGCGGGCCATGACATCTTGTTGAAAC[T>G]CCTCCTCCTCACTGCAGGGGCCGAGGTCTGTGAGGGTGGGGGAAGACAATCAGGAGCAGG-3'
Protein context (NP_002684.1, residues 528-548): EDLGPCSEEE[Glu538Ala]FQQDVMARAC

ClinVar aggregate classification (germline): Uncertain significance. Review status: criteria provided, multiple submitters, no conflicts (2 of 4 stars). 8 submissions from 8 submitters: Uncertain significance (8). Last evaluated 2026-05-17.

Conditions:
POLG-related disorder. Also called: POLG-related condition; POLG-Related Disorders; POLG-Related Spectrum Disorders. Identifiers: MedGen C4763519.
Inborn genetic diseases. Identifiers: MedGen C0950123, MeSH D030342.
Mitochondrial DNA depletion syndrome 4b. Also called: Mitochondrial Neurogastrointestinal Encephalopathy Disease, POLG-Related; MNGIE, POLG-RELATED. Identifiers: Orphanet 298, MedGen C3150914, MONDO:0013350, OMIM 613662.
Sensory ataxic neuropathy, dysarthria, and ophthalmoparesis (SANDO). Also called: SENSORY ATAXIC NEUROPATHY WITH MITOCHONDRIAL DNA DELETIONS, AUTOSOMAL RECESSIVE; Epilepsy, progressive myoclonic, type 5; Ataxia Neuropathy Spectrum (ANS); Sensory ataxic neuropathy-dysarthria-ophthalmoparesis syndrome. Identifiers: Orphanet 70595, MedGen C1843851, MONDO:0011835, OMIM 607459.
Mitochondrial DNA depletion syndrome 1. Also called: Mitochondrial DNA depletion syndrome 1 (MNGIE type); POLIP SYNDROME; POLYNEUROPATHY, OPHTHALMOPLEGIA, LEUKOENCEPHALOPATHY, AND INTESTINAL PSEUDOOBSTRUCTION; Mitochondrial DNA Depletion Syndrome, MNGIE Form; Mitochondrial Neurogastrointestinal Encephalopathy Disease; MNGIE, TYMP-RELATED. Identifiers: Orphanet 298, MedGen C4551995, MONDO:0011283, OMIM 603041.
Progressive sclerosing poliodystrophy (MTDPS4A). Also called: Mitochondrial DNA depletion syndrome 4A (Alpers type); ALPERS PROGRESSIVE INFANTILE POLIODYSTROPHY; Alpers-Huttenlocher Syndrome; Alpers-Huttenlocher Syndrome (AHS); ALPERS DIFFUSE DEGENERATION OF CEREBRAL GRAY MATTER WITH HEPATIC CIRRHOSIS; NEURONAL DEGENERATION OF CHILDHOOD WITH LIVER DISEASE, PROGRESSIVE. Identifiers: Orphanet 726, MedGen C0205710, MONDO:0008758, OMIM 203700.
Progressive external ophthalmoplegia with mitochondrial DNA deletions, autosomal dominant 1 (PEOA1). Also called: PROGRESSIVE EXTERNAL OPHTHALMOPLEGIA, AUTOSOMAL DOMINANT 1; Autosomal Dominant Progressive External Ophthalmoplegia (adPEO). Identifiers: MedGen C1834846, MONDO:0024528, OMIM 157640.
Progressive external ophthalmoplegia with mitochondrial DNA deletions, autosomal recessive 1 (PEOB1). Also called: Progressive external ophthalmoplegia, autosomal recessive 1; Autosomal Recessive Progressive External Ophthalmoplegia (arPEO). Identifiers: Orphanet 254886, MedGen C4225153, MONDO:0009783, OMIM 258450.

Allele frequency attached by ClinVar (database versions not stated): gnomAD 0.00002; TOPMed 0.00005.
gnomAD v4.1: 35 of 1,613,688 alleles (0.0022%); highest among the groups gnomAD compares: Admixed American, 0.058%; no homozygotes.

Submissions (8):

PreventionGenetics, part of Exact Sciences
Classification: Uncertain significance for POLG-related condition. Last evaluated: 2026-05-17. Review status: criteria provided, single submitter. Criteria: ACMG Guidelines, 2015. Collection method: clinical testing. Allele origin: germline.
Comment: The POLG c.1613A>C variant is predicted to result in the amino acid substitution p.Glu538Ala. This variant has been reported in a POLG-related study; however, clinical and functional data was not provided (Supplementary Table in Nurminen et al. 2017. PubMed ID: 28480171). This variant is reported in 0.088% of alleles in individuals of Latino descent in gnomAD. At this time, the clinical significance of this variant is uncertain due to the absence of conclusive functional and genetic evidence.

GeneDx
Classification: Uncertain significance. Last evaluated: 2025-06-03. Review status: criteria provided, single submitter. Criteria: GeneDx Variant Classification Process June 2021. Collection method: clinical testing. Allele origin: germline. Affected: yes.
Comment: Has not been previously published as pathogenic or benign to our knowledge; In silico analysis suggests that this missense variant does not alter protein structure/function

Labcorp Genetics (formerly Invitae), Labcorp
Classification: Uncertain significance for Progressive sclerosing poliodystrophy. Last evaluated: 2025-01-06. Review status: criteria provided, single submitter. Criteria: Invitae Variant Classification Sherloc (09022015). Collection method: clinical testing. Allele origin: germline.
Comment: This sequence change replaces glutamic acid, which is acidic and polar, with alanine, which is neutral and non-polar, at codon 538 of the POLG protein (p.Glu538Ala). This variant is present in population databases (rs767216577, gnomAD 0.09%). This variant has not been reported in the literature in individuals affected with POLG-related conditions. ClinVar contains an entry for this variant (Variation ID: 432020). Invitae Evidence Modeling of protein sequence and biophysical properties (such as structural, functional, and spatial information, amino acid conservation, physicochemical variation, residue mobility, and thermodynamic stability) has been performed for this missense variant. However, the output from this modeling did not meet the statistical confidence thresholds required to predict the impact of this variant on POLG protein function. In summary, the available evidence is currently insufficient to determine the role of this variant in disease. Therefore, it has been classified as a Variant of Uncertain Significance.

Women's Health and Genetics/Laboratory Corporation of America, LabCorp
Classification: Uncertain significance. Last evaluated: 2024-01-03. Review status: criteria provided, single submitter. Criteria: LabCorp Variant Classification Summary - May 2015. Collection method: clinical testing. Allele origin: germline.
Comment: Variant summary: POLG c.1613A>C (p.Glu538Ala) results in a non-conservative amino acid change in the encoded protein sequence. Three of five in-silico tools predict a benign effect of the variant on protein function. The variant allele was found at a frequency of 0.00012 in 251370 control chromosomes, predominantly at a frequency of 0.00087 within the Latino subpopulation in the gnomAD database. To our knowledge, no occurrence of c.1613A>C in individuals affected with POLG-Related Spectrum Disorders and no experimental evidence demonstrating its impact on protein function have been reported. Four submitters have cited clinical-significance assessments for this variant to ClinVar after 2014. All submitters classified the variant as uncertain significance. Based on the evidence outlined above, the variant was classified as uncertain significance.

Athena Diagnostics
Classification: Uncertain significance. Last evaluated: 2023-08-18. Review status: criteria provided, single submitter. Criteria: Athena Diagnostics Criteria. Collection method: clinical testing. Allele origin: unknown.
Comment: Available data are insufficient to determine the clinical significance of the variant at this time. The frequency of this variant in the general population is uninformative in assessment of its pathogenicity. Computational tools disagree on the variant's effect on normal protein function.

Mayo Clinic Laboratories, Mayo Clinic
Classification: Uncertain significance. Last evaluated: 2023-02-15. Review status: criteria provided, single submitter. Criteria: ACMG Guidelines, 2015. Collection method: clinical testing. Allele origin: germline. Observed: 1 variant allele.

Fulgent Genetics
Classification: Uncertain significance for Progressive external ophthalmoplegia with mitochondrial DNA deletions, autosomal dominant 1; Progressive sclerosing poliodystrophy; Progressive external ophthalmoplegia with mitochondrial DNA deletions, autosomal recessive 1; Mitochondrial DNA depletion syndrome 1; Sensory ataxic neuropathy, dysarthria, and ophthalmoparesis; Mitochondrial DNA depletion syndrome 4b. Last evaluated: 2022-04-04. Review status: criteria provided, single submitter. Criteria: ACMG Guidelines, 2015. Collection method: clinical testing. Allele origin: unknown.

Ambry Genetics
Classification: Uncertain significance for Inborn genetic diseases. Last evaluated: 2021-04-28. Review status: criteria provided, single submitter. Criteria: Ambry Variant Classification Scheme 2023. Collection method: clinical testing. Allele origin: germline.

Literature cited by the submitters: PubMed 28480171 (cited by Athena Diagnostics).